The following is an entry in ClinVar:

ClinVar aggregate classification (germline): Uncertain significance. Review status: criteria provided, multiple submitters, no conflicts (2 of 4 stars). 2 submissions from 2 submitters: Uncertain significance (2). Last evaluated 2024-03-24.

Conditions:
Fumarase deficiency (FMRD). Also called: Fumaric aciduria; Fumarate Hydratase Deficiency. Identifiers: Orphanet 24, MedGen C0342770, MONDO:0011730, OMIM 606812.
Hereditary cancer-predisposing syndrome. Also called: Tumor predisposition; Neoplastic Syndromes, Hereditary; Hereditary Cancer Syndrome; Hereditary neoplastic syndrome. Identifiers: Orphanet 140162, MedGen C0027672, MeSH D009386, MONDO:0015356.

Allele frequency attached by ClinVar (database versions not stated): TOPMed below 0.00001.

Submissions (2):

Baylor Genetics
Classification: Uncertain significance for Fumarase deficiency. Last evaluated: 2024-03-24. Review status: criteria provided, single submitter. Criteria: ACMG Guidelines, 2015. Collection method: clinical testing. Allele origin: unknown.

Ambry Genetics
Classification: Uncertain significance for Hereditary cancer-predisposing syndrome. Last evaluated: 2023-07-29. Review status: criteria provided, single submitter. Criteria: Ambry Variant Classification Scheme 2023. Collection method: clinical testing. Allele origin: germline.
Comment: The p.R6G variant (also known as c.16C>G), located in coding exon 1 of the FH gene, results from a C to G substitution at nucleotide position 16. The arginine at codon 6 is replaced by glycine, an amino acid with dissimilar properties. This amino acid position is conserved. In addition, the in silico prediction for this alteration is inconclusive. Since supporting evidence is limited at this time, the clinical significance of this alteration remains unclear.

NM_000143.4(FH):c.16C>G (p.Arg6Gly)

Gene: FH (fumarate hydratase; minus strand). Cytogenetic location: 1q43.
Variant type: single nucleotide variant.
Coding change: c.16C>G on transcript NM_000143.4 (MANE Select); coding-DNA position 16, C replaced by G.
Protein change: p.Arg6Gly; replaces arginine 6 with glycine.
Molecular consequence: missense variant.
Genome position (GRCh38, 1-based): chr1:241,519,707, G>C on the plus strand (C>G on the coding strand, the complement: FH is on the minus strand). VCF-style: chr1-241519707-G-C. GRCh37 (hg19) VCF-style: chr1-241683007-G-C.
Other names: short protein forms R6G.
Identifiers: ClinVar variation 2587059 (VCV002587059.3), dbSNP rs1660324018, ClinGen allele CA345443082.